The following is an entry in ClinVar:

ClinVar aggregate classification (germline): Uncertain significance. Review status: criteria provided, multiple submitters, no conflicts (2 of 4 stars). 3 submissions from 3 submitters: Uncertain significance (3). Last evaluated 2025-03-23.

Conditions:
Cardiovascular phenotype. Identifiers: MedGen CN230736.
Long QT syndrome (LQTS). Identifiers: MedGen C0023976, MeSH D008133, MONDO:0002442. Disease mechanism: loss of function. Inheritance: Various modes of inheritance.

Allele frequency attached by ClinVar (database versions not stated): TOPMed 0.00001; gnomAD exomes below 0.00001 and 0.00001; gnomAD 0.00001.
gnomAD v4.1: 4 of 1,613,632 alleles (0.00025%); highest among the groups gnomAD compares: Middle Eastern, 0.049%; no homozygotes.

Submissions (3):

Ambry Genetics
Classification: Uncertain significance for Cardiovascular phenotype. Last evaluated: 2025-03-23. Review status: criteria provided, single submitter. Criteria: Ambry Variant Classification Scheme 2023. Collection method: clinical testing. Allele origin: germline.
Comment: The p.V1745A variant (also known as c.5234T>C), located in coding exon 21 of the AKAP9 gene, results from a T to C substitution at nucleotide position 5234. The valine at codon 1745 is replaced by alanine, an amino acid with similar properties. This alteration has been reported as a secondary cardiac variant in an exome cohort; however, clinical details are limited (Ng D et al. Circ Cardiovasc Genet, 2013 Aug;6:337-46). This amino acid position is well conserved in available vertebrate species. In addition, this alteration is predicted to be tolerated by in silico analysis. Since supporting evidence is limited at this time, the clinical significance of this alteration remains unclear.

Labcorp Genetics (formerly Invitae), Labcorp
Classification: Uncertain significance for Long QT syndrome. Last evaluated: 2025-02-11. Review status: criteria provided, single submitter. Criteria: Invitae Variant Classification Sherloc (09022015). Collection method: clinical testing. Allele origin: germline.
Comment: This sequence change replaces valine, which is neutral and non-polar, with alanine, which is neutral and non-polar, at codon 1745 of the AKAP9 protein (p.Val1745Ala). This variant is present in population databases (rs201632145, gnomAD 0.0009%). This variant has not been reported in the literature in individuals affected with AKAP9-related conditions. ClinVar contains an entry for this variant (Variation ID: 191387). An algorithm developed to predict the effect of missense changes on protein structure and function outputs the following: PolyPhen-2: "Benign". The alanine amino acid residue is found in multiple mammalian species, which suggests that this missense change does not adversely affect protein function. In summary, the available evidence is currently insufficient to determine the role of this variant in disease. Therefore, it has been classified as a Variant of Uncertain Significance.

Biesecker Lab/Clinical Genomics Section, National Institutes of Health
Classification: Uncertain significance. Last evaluated: 2013-06-24. Review status: criteria provided, single submitter. Criteria: Ng et al. (Circ Cardiovasc Genet. 2013). Collection method: research. Allele origin: unknown. Observed: 1 variant allele. Study: ClinSeq.
Comment: The study set was not selected for affection status in relation to any cancer. Pathogenicity categories were based on literature curation. See Pubmed ID:23861362 for details.

Medical sequencing

Literature cited by the submitters: PubMed 23861362 (cited by Ambry Genetics).

NM_005751.5(AKAP9):c.5234T>C (p.Val1745Ala)

Gene: AKAP9 (A-kinase anchoring protein 9; plus strand). Cytogenetic location: 7q21.2.
Variant type: single nucleotide variant.
Coding change: c.5234T>C on transcript NM_005751.5 (MANE Select); coding-DNA position 5234, T replaced by C.
Protein change: p.Val1745Ala; replaces valine 1745 with alanine.
Molecular consequence: missense variant.
Genome position (GRCh38, 1-based): chr7:92,045,079, T>C. VCF-style: chr7-92045079-T-C. GRCh37 (hg19) VCF-style: chr7-91674393-T-C.
Other names: c.5234T>C, p.Val1745Ala (NM_147185.3); short protein forms V1745A.
Identifiers: ClinVar variation 191387 (VCV000191387.7), dbSNP rs201632145, ClinGen allele CA236485.
Genomic context (GRCh38, chr7:92,045,079, plus strand): 5'-AGAAAGCTAATAATAGACTTTTGAAGATCCTCTTAGAAGTTGTAAAGACAACAGCAGCTG[T>C]TGAAGAAACAATTGGTCGCCATGTCCTTGGGATTCTAGATAGATCTAGTAAAAGCCAGTC-3'
Protein context (NP_005742.4, residues 1735-1755): LLEVVKTTAA[Val1745Ala]EETIGRHVLG